The following is an entry in ClinVar:

NM_198904.4(GABRG2):c.705G>A (p.Trp235Ter)

Gene: GABRG2 (gamma-aminobutyric acid type A receptor subunit gamma2; plus strand). Cytogenetic location: 5q34.
Variant type: single nucleotide variant.
Coding change: c.705G>A on transcript NM_198904.4 (MANE Select); coding-DNA position 705, G replaced by A.
Protein change: p.Trp235Ter; replaces tryptophan 235 with a stop codon.
Molecular consequence: nonsense.
Genome position (GRCh38, 1-based): chr5:162,103,962, G>A. VCF-style: chr5-162103962-G-A. GRCh37 (hg19) VCF-style: chr5-161530968-G-A.
Other names: c.705G>A, p.Trp235Ter (NM_000816.3, NM_001375340.1, NM_001375341.1 and 2 more transcripts); c.696G>A, p.Trp232Ter (NM_001375339.1); c.825G>A, p.Trp275Ter (NM_001375343.1, NM_198903.2); c.639G>A, p.Trp213Ter (NM_001375345.1, NM_001375346.1); c.618G>A, p.Trp206Ter (NM_001375347.1); c.285G>A, p.Trp95Ter (NM_001375348.1, NM_001375350.1); c.420G>A, p.Trp140Ter (NM_001375349.1); short protein forms W275*, W232*, W140*, W206*, W213*, W235*, W95*.
Identifiers: ClinVar variation 5002845 (VCV005002845.1).

ClinVar aggregate classification (germline): Likely pathogenic (1 of 4 stars; one submission).

Conditions:
Febrile seizures, familial, 8 (FEB8). Also called: CONVULSIONS, FAMILIAL FEBRILE, 8. Identifiers: Orphanet 36387, MedGen C1969810, MONDO:0011891, OMIM 607681.

Submission:

OLLIN Analises Genomicas, OLLIN
Classification: Likely pathogenic for Febrile seizures, familial, 8. Last evaluated: 2026-08-06. Review status: criteria provided, single submitter. Criteria: ACMG Guidelines 2015 PMID 25741868. Collection method: clinical testing. Allele origin: germline. Inheritance: Autosomal dominant inheritance.
Comment: This nonsense variant, located in exon 6 (of 10), is absent from gnomAD and ClinVar and has not been identified in the literature. This variant introduces a premature stop codon, which is predicted to result in either a truncated protein or degradation of the mRNA via nonsense-mediated decay (NMD). According to the currently available evidence, this variant has been classified as likely pathogenic (PVS1, PM2_P).